The following is an entry in ClinVar:

NM_001605.3(AARS1):c.1765G>T (p.Val589Phe)

Gene: AARS1 (alanyl-tRNA synthetase 1; minus strand). Cytogenetic location: 16q22.1.
Variant type: single nucleotide variant.
Coding change: c.1765G>T on transcript NM_001605.3 (MANE Select); coding-DNA position 1765, G replaced by T.
Protein change: p.Val589Phe; replaces valine 589 with phenylalanine.
Molecular consequence: missense variant.
Genome position (GRCh38, 1-based): chr16:70,261,064, C>A on the plus strand (G>T on the coding strand, the complement: AARS1 is on the minus strand). VCF-style: chr16-70261064-C-A. GRCh37 (hg19) VCF-style: chr16-70294967-C-A.
Other names: short protein forms V589F.
Identifiers: ClinVar variation 2429419 (VCV002429419.4), dbSNP rs1348105992, ClinGen allele CA396559201.

ClinVar aggregate classification (germline): Uncertain significance (1 of 4 stars; one submission).

Conditions:
Developmental and epileptic encephalopathy, 29 (DEE29). Also called: Epileptic encephalopathy, early infantile, 29. Identifiers: Orphanet 442835, MedGen C4225361, MONDO:0014593, OMIM 616339.

Submission:

Illumina Laboratory Services, Illumina
Classification: Uncertain significance for Developmental and epileptic encephalopathy, 29. Last evaluated: 2024-02-01. Review status: criteria provided, single submitter. Criteria: ISL SNV Classification Criteria 03 February 2026. Collection method: clinical testing. Allele origin: unknown.
Comment: The AARS1 c.1765G>T (p.Val589Phe) missense variant results in the substitution of the valine at amino acid position 589 with phenylalanine. To our knowledge, this variant has not been reported in the peer-reviewed literature. The variant is not found in version 4.1.0 of the Genome Aggregation Database. This variant is located it the editing domain of the protein, a region in which other disease-causing missense variants have been reported (PMID: 34446925), however this variant has not been evaluated experimentally. Based on the available evidence, the c.1765G>T (p.Val589Phe) variant is classified as a variant of uncertain significance for developmental and epileptic encephalopathy.

Literature cited by the submitters: PubMed 34446925.